The following is an entry in ClinVar:

ClinVar aggregate classification (germline): Uncertain significance (1 of 4 stars; one submission).

Allele frequency attached by ClinVar (database versions not stated): ESP Exome Variant Server 0.00008; gnomAD exomes below 0.00001; ExAC 0.00001.
gnomAD v4.1: 7 of 1,614,190 alleles (0.00043%); highest among the groups gnomAD compares: Non-Finnish European, 0.00051%; no homozygotes.

Submission:

Labcorp Genetics (formerly Invitae), Labcorp
Classification: Uncertain significance. Last evaluated: 2020-03-24. Review status: criteria provided, single submitter. Criteria: Invitae Variant Classification Sherloc (09022015). Collection method: clinical testing. Allele origin: germline.
Comment: Algorithms developed to predict the effect of missense changes on protein structure and function output the following: SIFT: "Not Available"; PolyPhen-2: "Benign"; Align-GVGD: "Not Available". The isoleucine amino acid residue is found in multiple mammalian species, suggesting that this missense change does not adversely affect protein function. These predictions have not been confirmed by published functional studies and their clinical significance is uncertain. This variant has not been reported in the literature in individuals with IDH3B-related conditions. In summary, the available evidence is currently insufficient to determine the role of this variant in disease. Therefore, it has been classified as a Variant of Uncertain Significance. This sequence change replaces methionine with isoleucine at codon 91 of the IDH3B protein (p.Met91Ile). The methionine residue is moderately conserved and there is a small physicochemical difference between methionine and isoleucine. This variant is present in population databases (rs369809528, ExAC 0.001%).

NM_006899.5(IDH3B):c.273G>A (p.Met91Ile)

Gene: IDH3B (isocitrate dehydrogenase (NAD(+)) 3 non-catalytic subunit beta; minus strand). Cytogenetic location: 20p13.
Variant type: single nucleotide variant.
Coding change: c.273G>A on transcript NM_006899.5 (MANE Select); coding-DNA position 273, G replaced by A.
Protein change: p.Met91Ile; replaces methionine 91 with isoleucine.
Molecular consequence: missense variant. On other transcripts: non-coding transcript variant (1).
Genome position (GRCh38, 1-based): chr20:2,663,510, C>T on the plus strand (G>A on the coding strand, the complement: IDH3B is on the minus strand). VCF-style: chr20-2663510-C-T. GRCh37 (hg19) VCF-style: chr20-2644156-C-T.
Other names: c.273G>A, p.Met91Ile (NM_001258384.3, NM_001330763.2, NM_174855.4); short protein forms M91I.
Identifiers: ClinVar variation 1017266 (VCV001017266.6), dbSNP rs369809528, ClinGen allele CA9735330.